The following is an entry in ClinVar:

ClinVar aggregate classification (germline): Uncertain significance. Review status: criteria provided, multiple submitters, no conflicts (2 of 4 stars). 3 submissions from 3 submitters: Uncertain significance (3). Last evaluated 2026-03-26.

Conditions:
Inborn genetic diseases. Identifiers: MedGen C0950123, MeSH D030342.

gnomAD v4.1: 32 of 1,614,064 alleles (0.002%); highest among the groups gnomAD compares: Non-Finnish European, 0.0026%; no homozygotes.

Submissions (3):

GeneDx
Classification: Uncertain significance. Last evaluated: 2026-03-26. Review status: criteria provided, single submitter. Criteria: GeneDx Variant Classification Process June 2021. Collection method: clinical testing. Allele origin: germline.
Comment: Not observed at significant frequency in large population cohorts (gnomAD); In silico analysis suggests that this missense variant does not alter protein structure/function; Has not been previously published as pathogenic or benign to our knowledge

Labcorp Genetics (formerly Invitae), Labcorp
Classification: Uncertain significance. Last evaluated: 2025-10-08. Review status: criteria provided, single submitter. Criteria: Invitae Variant Classification Sherloc (09022015). Collection method: clinical testing. Allele origin: germline.
Comment: This sequence change replaces serine, which is neutral and polar, with asparagine, which is neutral and polar, at codon 96 of the NDUFA2 protein (p.Ser96Asn). This variant is present in population databases (rs772395364, gnomAD 0.005%). This variant has not been reported in the literature in individuals affected with NDUFA2-related conditions. ClinVar contains an entry for this variant (Variation ID: 3403833). An algorithm developed to predict the effect of missense changes on protein structure and function outputs the following: PolyPhen-2: "Benign". The asparagine amino acid residue is found in multiple mammalian species, which suggests that this missense change does not adversely affect protein function. In summary, the available evidence is currently insufficient to determine the role of this variant in disease. Therefore, it has been classified as a Variant of Uncertain Significance.

Ambry Genetics
Classification: Uncertain significance for Inborn genetic diseases. Last evaluated: 2024-08-04. Review status: criteria provided, single submitter. Criteria: Ambry Variant Classification Scheme 2023. Collection method: clinical testing. Allele origin: germline.

NM_002488.5(NDUFA2):c.287G>A (p.Ser96Asn)

Genes: NDUFA2 (NADH:ubiquinone oxidoreductase subunit A2; minus strand), TMCO6 (transmembrane and coiled-coil domains 6; plus strand). Cytogenetic location: 5q31.3.
Variant type: single nucleotide variant.
Coding change: c.287G>A on transcript NM_002488.5 (MANE Select); coding-DNA position 287, G replaced by A.
Protein change: p.Ser96Asn; replaces serine 96 with asparagine.
Molecular consequence: missense variant. On other transcripts: 3 prime UTR variant (1), non-coding transcript variant (1).
Genome position (GRCh38, 1-based): chr5:140,645,600, C>T on the plus strand (G>A on the coding strand, the complement: NDUFA2 is on the minus strand). VCF-style: chr5-140645600-C-T. GRCh37 (hg19) VCF-style: chr5-140025185-C-T.
Other names: c.*103G>A (NM_001185012.2); short protein forms S96N.
Identifiers: ClinVar variation 3403833 (VCV003403833.3).